The following is an entry in ClinVar:

ClinVar aggregate classification (germline): Benign/Likely benign. Review status: criteria provided, multiple submitters, no conflicts (2 of 4 stars). 6 submissions from 6 submitters: Benign (2); Likely benign (4). Last evaluated 2025-12-07.

Conditions:
Hereditary cancer-predisposing syndrome. Also called: Tumor predisposition; Neoplastic Syndromes, Hereditary; Hereditary Cancer Syndrome; Hereditary neoplastic syndrome. Identifiers: Orphanet 140162, MedGen C0027672, MeSH D009386, MONDO:0015356.
Tuberous sclerosis syndrome (TSC). Also called: Tuberous Sclerosis Complex; Tuberous sclerosis. Identifiers: Orphanet 805, MedGen C0041341, MONDO:0001734.
Tuberous sclerosis 2 (TSC2). Identifiers: Orphanet 805, MedGen C1860707, MONDO:0013199, OMIM 613254.

Allele frequency attached by ClinVar (database versions not stated): gnomAD 0.00001 and 0.00002; gnomAD exomes 0.00001 and 0.00002; ExAC 0.00003.
gnomAD v4.1: 16 of 1,613,018 alleles (0.00099%); highest among the groups gnomAD compares: South Asian, 0.0077%; no homozygotes.

Submissions (6):

Labcorp Genetics (formerly Invitae), Labcorp
Classification: Likely benign for Tuberous sclerosis 2. Last evaluated: 2025-12-07. Review status: criteria provided, single submitter. Criteria: Invitae Variant Classification Sherloc (09022015). Collection method: clinical testing. Allele origin: germline.

Myriad Genetics, Inc.
Classification: Benign for Tuberous sclerosis 2. Last evaluated: 2025-05-20. Review status: criteria provided, single submitter. Criteria: Myriad Autosomal Dominant, Autosomal Recessive and X-Linked Classification Criteria (2023). Collection method: clinical testing. Allele origin: unknown.
Comment: This variant is considered benign. This variant is a silent/synonymous amino acid change and it is not expected to impact splicing.

All of Us Research Program, National Institutes of Health
Classification: Likely benign for Tuberous sclerosis syndrome. Last evaluated: 2023-11-20. Review status: criteria provided, single submitter. Criteria: ACMG Guidelines, 2015. Collection method: clinical testing. Allele origin: germline. Inheritance: Autosomal dominant inheritance. Observed: 1 variant allele, 1 heterozygote.
Comment: This study involves interpretation of variants in research participants for the purpose of population health screening. Participant phenotype was not available at the time of variant classification. Additional details can be found in publication PMID: 35346344, PMCID: PMC8962531

KCCC/NGS Laboratory, Kuwait Cancer Control Center
Classification: Likely benign for Tuberous sclerosis 2. Last evaluated: 2023-07-07. Review status: criteria provided, single submitter. Criteria: ACMG Guidelines, 2015. Collection method: clinical testing. Allele origin: germline. Affected: yes.

Genome-Nilou Lab
Classification: Benign for Tuberous sclerosis 2. Last evaluated: 2021-11-07. Review status: criteria provided, single submitter. Criteria: ACMG Guidelines, 2015. Collection method: clinical testing. Allele origin: germline. Affected: no.

Ambry Genetics
Classification: Likely benign for Hereditary cancer-predisposing syndrome. Last evaluated: 2017-04-13. Review status: criteria provided, single submitter. Criteria: Ambry Variant Classification Scheme 2023. Collection method: clinical testing. Allele origin: germline.

NM_000548.5(TSC2):c.2607C>T (p.Phe869=)

Gene: TSC2 (TSC complex subunit 2; plus strand). Cytogenetic location: 16p13.3.
Variant type: single nucleotide variant.
Coding change: c.2607C>T on transcript NM_000548.5 (MANE Select); coding-DNA position 2607, C replaced by T.
Protein change: p.Phe869=; no amino-acid change (phenylalanine 869 retained).
Molecular consequence: synonymous variant.
Genome position (GRCh38, 1-based): chr16:2,075,860, C>T. VCF-style: chr16-2075860-C-T. GRCh37 (hg19) VCF-style: chr16-2125861-C-T.
Other names: c.2607C>T (NM_000548.4); c.2607C>T, p.Phe869= (NM_001077183.3, NM_001114382.3, NM_001363528.2 and 3 more transcripts); c.2496C>T, p.Phe832= (NM_001318827.2); c.2460C>T, p.Phe820= (NM_001318829.2); c.2007C>T, p.Phe669= (NM_001318831.2); c.2640C>T, p.Phe880= (NM_001318832.2).
Identifiers: ClinVar variation 486626 (VCV000486626.20), dbSNP rs750336814, ClinGen allele CA040282.
Genomic context (GRCh38, chr16:2,075,860, plus strand): 5'-TCTGGCCAGGCTGCCGCACCTCTACAGGAACTTTGCCGCGGAGCAGTATGCCAGTGTGTT[C>T]GCCATCTCCCTGCCGTACACCAACCCCTCCAAGTGAGTGGTCGCCCCAGGCCCTGTGCCT-3'
Protein context (NP_000539.2, residues 859-879): NFAAEQYASV[Phe869=]AISLPYTNPS